The following is an entry in ClinVar:

ClinVar aggregate classification (germline): Likely pathogenic. Review status: criteria provided, multiple submitters, no conflicts (2 of 4 stars). 2 submissions from 2 submitters: Likely pathogenic (2). Last evaluated 2023-05-04.

Conditions:
Deficiency of UDPglucose-hexose-1-phosphate uridylyltransferase. Also called: GALT deficiency; Galactosemia, classic; GALACTOSE-1-PHOSPHATE URIDYLYLTRANSFERASE DEFICIENCY; Transferase Deficiency Galactosemia; GALACTOSEMIA I. Identifiers: Orphanet 352, Orphanet 79239, MedGen C0268151, MONDO:0009258, OMIM 230400.

gnomAD v4.1: 1 of 1,614,178 alleles (0.000062%); highest among the groups gnomAD compares: Non-Finnish European, 0.000085%; no homozygotes.

Submissions (2):

Labcorp Genetics (formerly Invitae), Labcorp
Classification: Likely pathogenic for Deficiency of UDPglucose-hexose-1-phosphate uridylyltransferase. Last evaluated: 2023-05-04. Review status: criteria provided, single submitter. Criteria: Invitae Variant Classification Sherloc (09022015). Collection method: clinical testing. Allele origin: germline.
Comment: In summary, the currently available evidence indicates that the variant is pathogenic, but additional data are needed to prove that conclusively. Therefore, this variant has been classified as Likely Pathogenic. Advanced modeling of protein sequence and biophysical properties (such as structural, functional, and spatial information, amino acid conservation, physicochemical variation, residue mobility, and thermodynamic stability) performed at Invitae indicates that this missense variant is expected to disrupt GALT protein function. This missense change has been observed in individual(s) with galactose-1-phosphate uridylyltransferase deficiency (PMID: 20213376, 34030713). This variant is not present in population databases (gnomAD no frequency). This sequence change replaces arginine, which is basic and polar, with proline, which is neutral and non-polar, at codon 204 of the GALT protein (p.Arg204Pro).

Juno Genomics, Hangzhou Juno Genomics, Inc
Classification: Likely pathogenic for Deficiency of UDPglucose-hexose-1-phosphate uridylyltransferase. Review status: criteria provided, single submitter. Criteria: ACMG Guidelines, 2015. Collection method: clinical testing. Allele origin: germline.
Comment: Absent from controls (or at extremely low frequency if recessive) in Genome Aggregation Database.;Multiple lines of computational evidence support a deleterious effect on the gene or gene product.;For recessive disorders, detected in trans with a pathogenic variant.;Patient's phenotype or family history is highly specific for a disease with a single genetic etiology.

Literature cited by the submitters: PubMed 20213376 (cited by Labcorp Genetics (formerly Invitae), Labcorp); PubMed 34030713 (cited by Labcorp Genetics (formerly Invitae), Labcorp).

NM_000155.4(GALT):c.611G>C (p.Arg204Pro)

Gene: GALT (galactose-1-phosphate uridylyltransferase; plus strand). Cytogenetic location: 9p13.3.
Variant type: single nucleotide variant.
Coding change: c.611G>C on transcript NM_000155.4 (MANE Select); coding-DNA position 611, G replaced by C.
Protein change: p.Arg204Pro; replaces arginine 204 with proline.
Molecular consequence: missense variant.
Genome position (GRCh38, 1-based): chr9:34,648,380, G>C. VCF-style: chr9-34648380-G-C. GRCh37 (hg19) VCF-style: chr9-34648377-G-C.
Other names: c.284G>C, p.Arg95Pro (NM_001258332.2); short protein forms R95P.
Identifiers: ClinVar variation 2735270 (VCV002735270.5), dbSNP rs111033740, ClinGen allele CA259454.